The following is an entry in ClinVar:

NM_000059.4(BRCA2):c.3232G>A (p.Val1078Ile)

Gene: BRCA2 (BRCA2 DNA repair associated; plus strand). Cytogenetic location: 13q13.1.
Variant type: single nucleotide variant.
Coding change: c.3232G>A on transcript NM_000059.4 (MANE Select); coding-DNA position 3232, G replaced by A.
Protein change: p.Val1078Ile; replaces valine 1078 with isoleucine.
Molecular consequence: missense variant. On other transcripts: non-coding transcript variant (1), intron variant (2).
Genome position (GRCh38, 1-based): chr13:32,337,587, G>A. VCF-style: chr13-32337587-G-A. GRCh37 (hg19) VCF-style: chr13-32911724-G-A.
Other names: c.3232G>A, p.Val1078Ile (NM_001406719.1, NM_001406720.1); c.1909+4200G>A (NM_001406721.1); c.424+6557G>A (NM_001406722.1); short protein forms V1078I.
Identifiers: ClinVar variation 2966207 (VCV002966207.4), dbSNP rs2137494570, ClinGen allele CA387775924.
Genomic context (GRCh38, chr13:32,337,587, plus strand): 5'-AAACTGAGCAAGCCTCAGTCAATTAATACTGTATCTGCACATTTACAGAGTAGTGTAGTT[G>A]TTTCTGATTGTAAAAATAGTCATATAACCCCTCAGATGTTATTTTCCAAGCAGGATTTTA-3'
Protein context (NP_000050.3, residues 1068-1088): VSAHLQSSVV[Val1078Ile]SDCKNSHITP

ClinVar aggregate classification (germline): Conflicting classifications of pathogenicity. Review status: criteria provided, conflicting classifications (1 of 4 stars). 2 submissions from 2 submitters: Uncertain significance (1); Likely benign (1). Last evaluated 2025-07-28.

Conditions:
Hereditary breast ovarian cancer syndrome. Also called: Hereditary breast and ovarian cancer; Hereditary breast and ovarian cancer syndrome (HBOC); Breast and ovarian cancer; Hereditary breast and ovarian cancer syndrome; Hereditary breast and/or ovarian cancer syndrome; BRCA1- and BRCA2-Associated Hereditary Breast and Ovarian Cancer. Identifiers: Orphanet 145, MedGen C0677776, MeSH D061325, MONDO:0003582. Disease mechanism: loss of function.

Submissions (2):

ARUP Laboratories, Molecular Genetics and Genomics, ARUP Laboratories
Classification: Likely benign. Last evaluated: 2025-07-28. Review status: criteria provided, single submitter. Criteria: ARUP Molecular Germline Variant Investigation Process 2024. Collection method: clinical testing. Allele origin: germline.

Labcorp Genetics (formerly Invitae), Labcorp
Classification: Uncertain significance for Hereditary breast ovarian cancer syndrome. Last evaluated: 2023-02-14. Review status: criteria provided, single submitter. Criteria: Invitae Variant Classification Sherloc (09022015). Collection method: clinical testing. Allele origin: germline.
Comment: In summary, the available evidence is currently insufficient to determine the role of this variant in disease. Therefore, it has been classified as a Variant of Uncertain Significance. This sequence change replaces valine, which is neutral and non-polar, with isoleucine, which is neutral and non-polar, at codon 1078 of the BRCA2 protein (p.Val1078Ile). This variant is not present in population databases (gnomAD no frequency). This variant has not been reported in the literature in individuals affected with BRCA2-related conditions. Advanced modeling of protein sequence and biophysical properties (such as structural, functional, and spatial information, amino acid conservation, physicochemical variation, residue mobility, and thermodynamic stability) performed at Invitae indicates that this missense variant is not expected to disrupt BRCA2 protein function.